The following is an entry in ClinVar:

NM_005157.6(ABL1):c.1012G>A (p.Val338Met)

Gene: ABL1 (ABL proto-oncogene 1, non-receptor tyrosine kinase; plus strand). Cytogenetic location: 9q34.12.
Variant type: single nucleotide variant.
Coding change: c.1012G>A on transcript NM_005157.6 (MANE Select); coding-DNA position 1012, G replaced by A.
Protein change: p.Val338Met; replaces valine 338 with methionine.
Molecular consequence: missense variant.
Genome position (GRCh38, 1-based): chr9:130,872,964, G>A. VCF-style: chr9-130872964-G-A. GRCh37 (hg19) VCF-style: chr9-133748351-G-A.
Other names: c.1069G>A, p.Val357Met (NM_007313.3); short protein forms V338M, V357M.
Identifiers: ClinVar variation 2710712 (VCV002710712.3), dbSNP rs2132997357, ClinGen allele CA375249562.
Genomic context (GRCh38, chr9:130,872,964, plus strand): 5'-ATGACCTACGGGAACCTCCTGGACTACCTGAGGGAGTGCAACCGGCAGGAGGTGAACGCC[G>A]TGGTGCTGCTGTACATGGCCACTCAGATCTCGTCAGCCATGGAGTACCTGGAGAAGAAAA-3'
Protein context (NP_005148.2, residues 328-348): RECNRQEVNA[Val338Met]VLLYMATQIS

ClinVar aggregate classification (germline): Uncertain significance (1 of 4 stars; one submission).

Submission:

Labcorp Genetics (formerly Invitae), Labcorp
Classification: Uncertain significance. Last evaluated: 2025-10-06. Review status: criteria provided, single submitter. Criteria: Invitae Variant Classification Sherloc (09022015). Collection method: clinical testing. Allele origin: germline.
Comment: This sequence change replaces valine, which is neutral and non-polar, with methionine, which is neutral and non-polar, at codon 357 of the ABL1 protein (p.Val357Met). This variant is not present in population databases (gnomAD no frequency). This variant has not been reported in the literature in individuals affected with ABL1-related conditions. ClinVar contains an entry for this variant (Variation ID: 2710712). Invitae Evidence Modeling of protein sequence and biophysical properties (such as structural, functional, and spatial information, amino acid conservation, physicochemical variation, residue mobility, and thermodynamic stability) indicates that this missense variant is expected to disrupt ABL1 protein function with a positive predictive value of 80%. In summary, the available evidence is currently insufficient to determine the role of this variant in disease. Therefore, it has been classified as a Variant of Uncertain Significance.